The following is an entry in ClinVar:

ClinVar aggregate classification (germline): Pathogenic (1 of 4 stars; one submission).

Conditions:
Severe combined immunodeficiency due to DCLRE1C deficiency (RS-SCID). Also called: SCID, AUTOSOMAL RECESSIVE, T CELL-NEGATIVE, B CELL-NEGATIVE, NK CELL-POSITIVE, WITH SENSITIVITY TO IONIZING RADIATION. Identifiers: Orphanet 275, MedGen C1865371, MONDO:0011225, OMIM 602450.

Submission:

Labcorp Genetics (formerly Invitae), Labcorp
Classification: Pathogenic for Athabaskan severe combined immunodeficiency. Last evaluated: 2020-12-03. Review status: criteria provided, single submitter. Criteria: Invitae Variant Classification Sherloc (09022015). Collection method: clinical testing. Allele origin: germline.
Comment: This variant is not present in population databases (ExAC no frequency). For these reasons, this variant has been classified as Pathogenic. This variant disrupts the C-terminus of the DCLRE1C protein. Other variant(s) that disrupt this region (p.Thr557Asnfs*21) have been determined to be pathogenic (PMID: 26476407). This suggests that variants that disrupt this region of the protein are likely to be causative of disease. This variant has not been reported in the literature in individuals with DCLRE1C-related conditions. This sequence change creates a premature translational stop signal (p.Glu502Metfs*43) in the DCLRE1C gene. While this is not anticipated to result in nonsense mediated decay, it is expected to disrupt the last 191 amino acid(s) of the DCLRE1C protein.

Literature cited by the submitters: PubMed 26476407.

NM_001033855.3(DCLRE1C):c.1502_1503dup (p.Glu502fs)

Gene: DCLRE1C (DNA cross-link repair 1C; minus strand). Cytogenetic location: 10p13.
Variant type: Duplication.
Coding change: c.1502_1503dup on transcript NM_001033855.3 (MANE Select); coding-DNA positions 1502 to 1503, 2 bases duplicated (AT; older notation c.1502_1503dupAT).
Protein change: p.Glu502fs; shifts the reading frame from glutamic acid 502.
Molecular consequence: frameshift variant. On other transcripts: non-coding transcript variant (4).
Genome position (GRCh38, 1-based): chr10:14,908,984-14,908,985, AT duplicated on the plus strand (AT on the coding strand, the reverse complement: DCLRE1C is on the minus strand). VCF-style (leftmost placement, unchanged base first): chr10-14908983-C-CAT. GRCh37 (hg19) VCF-style: chr10-14950982-C-CAT.
Other names: c.1142_1143dup, p.Glu382fs (NM_001033857.3, NM_001033858.3, NM_001289077.2 and 2 more transcripts); c.1157_1158dup, p.Glu387fs (NM_001289076.2, NM_001289078.2, NM_001350966.2 and 1 more transcripts); c.1502_1503dup, p.Glu502fs (NM_001350965.2); short protein forms E387fs, E502fs, E382fs.
Identifiers: ClinVar variation 1451198 (VCV001451198.8), dbSNP rs2131776130, ClinGen allele CA2573145022.